The following is an entry in ClinVar:

ClinVar aggregate classification (germline): Uncertain significance (1 of 4 stars; one submission).

Conditions:
Hereditary cancer-predisposing syndrome. Also called: Neoplastic Syndromes, Hereditary; Tumor predisposition; Hereditary Cancer Syndrome; Hereditary neoplastic syndrome. Identifiers: Orphanet 140162, MedGen C0027672, MeSH D009386, MONDO:0015356.

Submission:

Ambry Genetics
Classification: Uncertain significance for Hereditary cancer-predisposing syndrome. Last evaluated: 2025-11-18. Review status: criteria provided, single submitter. Criteria: Ambry Variant Classification Scheme 2023. Collection method: clinical testing. Allele origin: germline.
Comment: The p.K1278R variant (also known as c.3833A>G), located in coding exon 9 of the BRCA1 gene, results from an A to G substitution at nucleotide position 3833. The lysine at codon 1278 is replaced by arginine, an amino acid with highly similar properties. This amino acid position is not well conserved in available vertebrate species. In addition, the in silico prediction for this alteration is inconclusive. Based on the available evidence, the clinical significance of this variant remains unclear.

NM_007294.4(BRCA1):c.3833A>G (p.Lys1278Arg)

Genes: BRCA1 (BRCA1 DNA repair associated; minus strand), LOC126862571 (BRD4-independent group 4 enhancer GRCh37_chr17:41243136-41244335; plus strand). Cytogenetic location: 17q21.31.
Variant type: single nucleotide variant.
Coding change: c.3833A>G on transcript NM_007294.4 (MANE Select); coding-DNA position 3833, A replaced by G.
Protein change: p.Lys1278Arg; replaces lysine 1278 with arginine.
Molecular consequence: missense variant. On other transcripts: intron variant (135).
Genome position (GRCh38, 1-based): chr17:43,091,698, T>C on the plus strand (A>G on the coding strand, the complement: BRCA1 is on the minus strand). VCF-style: chr17-43091698-T-C. GRCh37 (hg19) VCF-style: chr17-41243715-T-C.
Other names: c.3620A>G, p.Lys1207Arg (NM_001407571.1, NM_001407853.1, NM_001407894.1 and 9 more transcripts); c.3833A>G, p.Lys1278Arg (NM_001407581.1, NM_001407582.1, NM_001407583.1 and 30 more transcripts); c.3830A>G, p.Lys1277Arg (NM_001407587.1, NM_001407590.1, NM_001407591.1 and 22 more transcripts); c.3449A>G, p.Lys1150Arg (NM_001407962.1); c.3452A>G, p.Lys1151Arg (NM_001407963.1, NM_001407959.1, NM_001407960.1); c.3689A>G, p.Lys1230Arg (NM_001407964.1, NM_001407740.1, NM_001407741.1 and 20 more transcripts); c.3824A>G, p.Lys1275Arg (NM_001407646.1, NM_001407647.1); c.3710A>G, p.Lys1237Arg (NM_001407648.1, NM_001407664.1, NM_001407665.1 and 19 more transcripts); and 41 more; short protein forms K1167R, K1230R, K1110R, K1150R, K1208R, K1236R, K1237R, K1251R.
Identifiers: ClinVar variation 4625448 (VCV004625448.1).